The following is an entry in ClinVar:

GRCh37/hg19 22q13.31-13.33(chr22:47567951-51183840)x1

Genes: ACR (acrosin; plus strand), ADM2 (adrenomedullin 2; plus strand), ALG12 (ALG12 alpha-1,6-mannosyltransferase; minus strand), ARSA (arylsulfatase A; minus strand), BRD1 (bromodomain containing 1; minus strand) and 32 more. Cytogenetic location: 22q13.31-13.33.
Variant type: copy number loss.
Change: copy number 1 (one copy instead of two) of chr22:47,567,951-51,183,840 (3.62 Mb, GRCh37 coordinates, 1-based), cytogenetic band 22q13.31-13.33.
Identifiers: ClinVar variation 1340060 (VCV001340060.1).

ClinVar aggregate classification (germline): Pathogenic (0 of 4 stars; one submission).

Submission:

Quest Diagnostics Nichols Institute San Juan Capistrano
Classification: Pathogenic. Last evaluated: 2021-03-01. Review status: no assertion criteria provided. Collection method: clinical testing. Allele origin: germline.
Comment: The loss of 22q13.31q13.33 is compatible with the diagnosis of 22q13.3 microdeletion syndrome (Phelan-McDermid syndrome, OMIM #606232). The phenotype of the syndrome is variable, according to the size of the deleted segment, but characterized by neonatal hypotonia, global developmental delay, normal to accelerated growth, absent to severely delayed speech, autistic behavior, seizures, and minor dysmorphic features. The loss of 22q13.3 can result from simple deletion, translocation, ring chromosome formation and less common structural changes affecting the long arm of chromosome 22 (Phelan, Orphanet J Rare Dis. 2008 May 27;3:14. PMID: 18505557;Sarasua et al., Hum Genet. 2014 Jul;133(7):847-59; PMID: 24481935; Zwanenburg et al., J Neurodev Disord. 2016; 8: 16. PMID: 27118998; Phelan, et al., Am J Med Genet. 2001 Jun 15;101(2):91-9. PMID: 11391650). Although SHANK3 (606230) is the primary phenotype gene for the neurological features of the syndrome, haploinsufficiency of other genes likely contributes to the phenotype, as well. (Disciglio et al. J. Med. Genet. 164A: 1666-1676, 2014. PMID: 24700646).